The following is an entry in ClinVar:

NM_005995.5(TBX10):c.611G>A (p.Arg204His)

Gene: TBX10 (T-box transcription factor 10; minus strand). Cytogenetic location: 11q13.2.
Variant type: single nucleotide variant.
Coding change: c.611G>A on transcript NM_005995.5 (MANE Select); coding-DNA position 611, G replaced by A.
Protein change: p.Arg204His; replaces arginine 204 with histidine.
Molecular consequence: missense variant.
Genome position (GRCh38, 1-based): chr11:67,633,042, C>T on the plus strand (G>A on the coding strand, the complement: TBX10 is on the minus strand). VCF-style: chr11-67633042-C-T. GRCh37 (hg19) VCF-style: chr11-67400513-C-T.
Other names: short protein forms R204H.
Identifiers: ClinVar variation 3048037 (VCV003048037.2), dbSNP rs139191413, ClinGen allele CA6143923.

ClinVar aggregate classification (germline): Likely benign (0 of 4 stars; one submission).

Conditions:
TBX10-related disorder. Also called: TBX10-related condition.

Allele frequency attached by ClinVar (database versions not stated): TOPMed 0.00074; gnomAD exomes 0.00008; 1000 Genomes Project 30x 0.00016; ExAC 0.00019; 1000 Genomes Project 0.00020; ESP Exome Variant Server 0.00062; gnomAD 0.00066.

Submission:

PreventionGenetics, part of Exact Sciences
Classification: Likely benign for TBX10-related condition. Last evaluated: 2023-04-24. Review status: no assertion criteria provided. Collection method: clinical testing. Allele origin: germline.
Comment: This variant is classified as likely benign based on ACMG/AMP sequence variant interpretation guidelines (Richards et al. 2015 PMID: 25741868, with internal and published modifications).